The following is an entry in ClinVar:

NM_058195.4(CDKN2A):c.64G>A (p.Val22Ile)

Gene: CDKN2A (cyclin dependent kinase inhibitor 2A; minus strand). Cytogenetic location: 9p21.3.
Variant type: single nucleotide variant.
Coding change: c.64G>A on transcript NM_058195.4 (MANE Plus Clinical); coding-DNA position 64, G replaced by A.
Protein change: p.Val22Ile; replaces valine 22 with isoleucine.
Molecular consequence: missense variant. On other transcripts: intron variant (1).
Genome position (GRCh38, 1-based): chr9:21,994,268, C>T on the plus strand (G>A on the coding strand, the complement: CDKN2A is on the minus strand). VCF-style: chr9-21994268-C-T. GRCh37 (hg19) VCF-style: chr9-21994267-C-T.
Other names: c.-4+553G>A (NM_001363763.2); short protein forms V22I.
Identifiers: ClinVar variation 3489648 (VCV003489648.1).

ClinVar aggregate classification (germline): Uncertain significance (1 of 4 stars; one submission).

Conditions:
Hereditary cancer-predisposing syndrome. Also called: Tumor predisposition; Hereditary Cancer Syndrome; Neoplastic Syndromes, Hereditary; Hereditary neoplastic syndrome. Identifiers: Orphanet 140162, MedGen C0027672, MeSH D009386, MONDO:0015356.

Submission:

Ambry Genetics
Classification: Uncertain significance for Hereditary cancer-predisposing syndrome. Last evaluated: 2024-09-09. Review status: criteria provided, single submitter. Criteria: Ambry Variant Classification Scheme 2023. Collection method: clinical testing. Allele origin: germline.
Comment: The p.V22I variant (also known as c.64G>A), located in coding exon 1 of the CDKN2A gene, results from a G to A substitution at nucleotide position 64. The valine at codon 22 is replaced by isoleucine, an amino acid with highly similar properties. This amino acid position is poorly conserved in available vertebrate species. Based on the available evidence, the clinical significance of this variant remains unclear.